The following is an entry in ClinVar:

ClinVar aggregate classification (germline): Uncertain significance (1 of 4 stars; one submission).

gnomAD v4.1: 1 of 1,613,420 alleles (0.000062%); highest among the groups gnomAD compares: South Asian, 0.0011%; no homozygotes.

Submission:

Labcorp Genetics (formerly Invitae), Labcorp
Classification: Uncertain significance. Last evaluated: 2022-07-04. Review status: criteria provided, single submitter. Criteria: Invitae Variant Classification Sherloc (09022015). Collection method: clinical testing. Allele origin: germline.
Comment: This sequence change replaces aspartic acid, which is acidic and polar, with histidine, which is basic and polar, at codon 271 of the XYLT2 protein (p.Asp271His). This variant is not present in population databases (gnomAD no frequency). This variant has not been reported in the literature in individuals affected with XYLT2-related conditions. Algorithms developed to predict the effect of missense changes on protein structure and function are either unavailable or do not agree on the potential impact of this missense change (SIFT: "Deleterious"; PolyPhen-2: "Benign"; Align-GVGD: "Class C0"). In summary, the available evidence is currently insufficient to determine the role of this variant in disease. Therefore, it has been classified as a Variant of Uncertain Significance.

NM_022167.4(XYLT2):c.811G>C (p.Asp271His)

Gene: XYLT2 (xylosyltransferase 2; plus strand). Cytogenetic location: 17q21.33.
Variant type: single nucleotide variant.
Coding change: c.811G>C on transcript NM_022167.4 (MANE Select); coding-DNA position 811, G replaced by C.
Protein change: p.Asp271His; replaces aspartic acid 271 with histidine.
Molecular consequence: missense variant.
Genome position (GRCh38, 1-based): chr17:50,354,860, G>C. VCF-style: chr17-50354860-G-C. GRCh37 (hg19) VCF-style: chr17-48432221-G-C.
Other names: short protein forms D271H.
Identifiers: ClinVar variation 2014051 (VCV002014051.4), dbSNP rs138933160, ClinGen allele CA400201641.